The following is an entry in ClinVar:

NM_001113378.2(FANCI):c.2394C>A (p.Asn798Lys)

Gene: FANCI (FA complementation group I; plus strand). Cytogenetic location: 15q26.1.
Variant type: single nucleotide variant.
Coding change: c.2394C>A on transcript NM_001113378.2 (MANE Select); coding-DNA position 2394, C replaced by A.
Protein change: p.Asn798Lys; replaces asparagine 798 with lysine.
Molecular consequence: missense variant.
Genome position (GRCh38, 1-based): chr15:89,293,935, C>A. VCF-style: chr15-89293935-C-A. GRCh37 (hg19) VCF-style: chr15-89837166-C-A.
Other names: c.2115C>A, p.Asn705Lys (NM_001376910.1); c.2394C>A, p.Asn798Lys (NM_001376911.1, NM_018193.3); short protein forms N798K, N705K.
Identifiers: ClinVar variation 2082414 (VCV002082414.2), dbSNP rs372974984, ClinGen allele CA393750320.

ClinVar aggregate classification (germline): Uncertain significance. Review status: criteria provided, multiple submitters, no conflicts (2 of 4 stars). 2 submissions from 2 submitters: Uncertain significance (2). Last evaluated 2024-04-13.

Conditions:
Fanconi anemia complementation group I (FANCI). Also called: FANCI-Related Fanconi Anemia. Identifiers: Orphanet 84, MedGen C1836861, MONDO:0012186, OMIM 609053.
Fanconi anemia (FA). Also called: Fanconi's anemia. Identifiers: Orphanet 84, MedGen C0015625, MeSH D005199, MONDO:0019391.

gnomAD v4.1: 1 of 1,614,104 alleles (0.000062%); highest among the groups gnomAD compares: Non-Finnish European, 0.000085%; no homozygotes.

Submissions (2):

Fulgent Genetics
Classification: Uncertain significance for Fanconi anemia complementation group I. Last evaluated: 2024-04-13. Review status: criteria provided, single submitter. Criteria: ACMG Guidelines, 2015. Collection method: clinical testing. Allele origin: germline.

Labcorp Genetics (formerly Invitae), Labcorp
Classification: Uncertain significance for Fanconi anemia. Last evaluated: 2022-03-26. Review status: criteria provided, single submitter. Criteria: Invitae Variant Classification Sherloc (09022015). Collection method: clinical testing. Allele origin: germline.
Comment: This sequence change replaces asparagine, which is neutral and polar, with lysine, which is basic and polar, at codon 798 of the FANCI protein (p.Asn798Lys). This variant is not present in population databases (gnomAD no frequency). This variant has not been reported in the literature in individuals affected with FANCI-related conditions. Algorithms developed to predict the effect of missense changes on protein structure and function are either unavailable or do not agree on the potential impact of this missense change (SIFT: "Deleterious"; PolyPhen-2: "Benign"; Align-GVGD: "Class C0"). Algorithms developed to predict the effect of sequence changes on RNA splicing suggest that this variant may disrupt the consensus splice site. In summary, the available evidence is currently insufficient to determine the role of this variant in disease. Therefore, it has been classified as a Variant of Uncertain Significance.